The following is an entry in ClinVar:

ClinVar aggregate classification (germline): Uncertain significance (1 of 4 stars; one submission).

Submission:

Ambry Genetics
Classification: Uncertain significance. Last evaluated: 2025-03-24. Review status: criteria provided, single submitter. Criteria: Ambry Variant Classification Scheme 2023. Collection method: clinical testing. Allele origin: germline.
Comment: The p.S336N variant (also known as c.1007G>A), located in coding exon 7 of the ATRIP gene, results from a G to A substitution at nucleotide position 1007. The serine at codon 336 is replaced by asparagine, an amino acid with highly similar properties. This amino acid position is conserved. In addition, this alteration is predicted to be tolerated by in silico analysis. Based on the available evidence, the clinical significance of this variant remains unclear.

NM_130384.3(ATRIP):c.1007G>A (p.Ser336Asn)

Genes: ATRIP (ATR interacting protein; plus strand), ATRIP-TREX1 (ATRIP-TREX1 readthrough; plus strand). Cytogenetic location: 3p21.31.
Variant type: single nucleotide variant.
Coding change: c.1007G>A on transcript NM_130384.3 (MANE Select); coding-DNA position 1007, G replaced by A.
Protein change: p.Ser336Asn; replaces serine 336 with asparagine.
Molecular consequence: missense variant. On other transcripts: non-coding transcript variant (1).
Genome position (GRCh38, 1-based): chr3:48,459,868, G>A. VCF-style: chr3-48459868-G-A. GRCh37 (hg19) VCF-style: chr3-48501267-G-A.
Other names: c.626G>A, p.Ser209Asn (NM_001271022.2); c.728G>A, p.Ser243Asn (NM_001271023.2); c.1007G>A, p.Ser336Asn (NM_032166.4); short protein forms S209N, S336N, S243N.
Identifiers: ClinVar variation 3975746 (VCV003975746.1).
Genomic context (GRCh38, chr3:48,459,868, plus strand): 5'-TCCTGAAGCAGCCTTTGATCCCAGGGTCATCCCTAAGCCTTTGCCACCTCCTGAGTAGTA[G>A]TTCTGAGTCTCCTGCTGGCACCCCCCTGCAGCCACCAGGGTTTGGCAGGTAAGCATAAGA-3'
Protein context (NP_569055.1, residues 326-346): SLSLCHLLSS[Ser336Asn]SESPAGTPLQ